The following is an entry in ClinVar:

NM_001009944.3(PKD1):c.10165G>A (p.Glu3389Lys)

Gene: PKD1 (polycystin 1, transient receptor potential channel interacting; minus strand). Cytogenetic location: 16p13.3.
Variant type: single nucleotide variant.
Coding change: c.10165G>A on transcript NM_001009944.3 (MANE Select); coding-DNA position 10165, G replaced by A.
Protein change: p.Glu3389Lys; replaces glutamic acid 3389 with lysine.
Molecular consequence: missense variant.
Genome position (GRCh38, 1-based): chr16:2,097,870, C>T on the plus strand (G>A on the coding strand, the complement: PKD1 is on the minus strand). VCF-style: chr16-2097870-C-T. GRCh37 (hg19) VCF-style: chr16-2147871-C-T.
Other names: c.10165G>A, p.Glu3389Lys (NM_000296.4); short protein forms E3389K.
Identifiers: ClinVar variation 618305 (VCV000618305.9), dbSNP rs756738297, ClinGen allele CA394347915.

ClinVar aggregate classification (germline): Uncertain significance. Review status: criteria provided, multiple submitters, no conflicts (2 of 4 stars). 2 submissions from 2 submitters: Uncertain significance (2). Last evaluated 2023-05-02.

Allele frequency attached by ClinVar (database versions not stated): TOPMed 0.00001.
gnomAD v4.1: 12 of 1,605,492 alleles (0.00075%); highest among the groups gnomAD compares: Admixed American, 0.0017%; no homozygotes.

Submissions (2):

Blueprint Genetics
Classification: Uncertain significance. Last evaluated: 2023-05-02. Review status: criteria provided, single submitter. Criteria: ACMG Guidelines, 2015. Collection method: clinical testing. Allele origin: germline.

ARUP Laboratories, Molecular Genetics and Genomics, ARUP Laboratories
Classification: Uncertain significance. Last evaluated: 2017-05-03. Review status: criteria provided, single submitter. Criteria: ARUP Molecular Germline Variant Investigation Process. Collection method: clinical testing. Allele origin: germline.
Comment: The PKD1 c.10165G>A, p.Glu3389Lys variant has not been reported in the medical literature, nor listed in gene-specific variant databases. It is observed in the Genome Aggregation Database general population database at a frequency of 0.0004 percent (1/244860 alleles). The glutamate at residue 3389 is highly conserved, but computational algorithms (Align GVGD: C55; Mutation Taster: disease-causing; PolyPhen-2: benign; SIFT: tolerated) are inconclusive on the variant's impact on the protein. Due to the limited information regarding this variant, its clinical significance could not be determined with certainty.